The following is an entry in ClinVar:

NM_005591.4(MRE11):c.504_511del (p.Leu169fs)

Gene: MRE11 (MRE11 double strand break repair nuclease; minus strand). Cytogenetic location: 11q21.
Variant type: Deletion.
Coding change: c.504_511del on transcript NM_005591.4 (MANE Select); coding-DNA positions 504 to 511, 8 bases deleted (GCTTCAAA; older notation c.504_511delGCTTCAAA).
Protein change: p.Leu169fs; shifts the reading frame from leucine 169.
Molecular consequence: frameshift variant.
Genome position (GRCh38, 1-based): chr11:94,478,768-94,478,775, TTTGAAGC deleted on the plus strand (GCTTCAAA on the coding strand, the reverse complement: MRE11 is on the minus strand). VCF-style (leftmost placement, unchanged base first): chr11-94478767-TTTTGAAGC-T. GRCh37 (hg19) VCF-style: chr11-94211933-TTTTGAAGC-T.
Other names: c.504_511delGCTTCAAA (NM_005591.3); c.504_511del, p.Leu169fs (NM_001330347.2, NM_005590.4); short protein forms L169fs.
Identifiers: ClinVar variation 185530 (VCV000185530.19), dbSNP rs786202253, ClinGen allele CA192198.
Genomic context (GRCh38, chr11:94,478,767, plus strand): 5'-CATAAACAGTAAAATAAAACTGTCTTACCTAAACCATATAGCGCAATCTTTGTGCTTCCT[TTTTGAAGC>T]AAAACCGGACTAATGTCTATCTTCTCCACAGACATTGAACGTCCAAAGTGATTTACAAAT-3'

ClinVar aggregate classification (germline): Pathogenic/Likely pathogenic. Review status: criteria provided, multiple submitters, no conflicts (2 of 4 stars). 4 submissions from 4 submitters: Pathogenic (2); Likely pathogenic (2). Last evaluated 2025-11-05.

Conditions:
MRE11A-related disorders.
Ataxia-telangiectasia-like disorder (ATLD). Identifiers: MedGen C1858391, MONDO:0011457.
Hereditary cancer-predisposing syndrome. Also called: Tumor predisposition; Neoplastic Syndromes, Hereditary; Hereditary neoplastic syndrome; Hereditary Cancer Syndrome. Identifiers: Orphanet 140162, MedGen C0027672, MeSH D009386, MONDO:0015356.
Ataxia-telangiectasia-like disorder 1 (ATLD1). Identifiers: Orphanet 251347, MedGen C4012790, MONDO:0024557, OMIM 604391.

Allele frequency attached by ClinVar (database versions not stated): gnomAD exomes 0.00001; TOPMed 0.00001.

Submissions (4):

Labcorp Genetics (formerly Invitae), Labcorp
Classification: Pathogenic for Ataxia-telangiectasia-like disorder. Last evaluated: 2025-11-05. Review status: criteria provided, single submitter. Criteria: Invitae Variant Classification Sherloc (09022015). Collection method: clinical testing. Allele origin: germline.
Comment: This sequence change creates a premature translational stop signal (p.Leu169Argfs*16) in the MRE11 gene. It is expected to result in an absent or disrupted protein product. Loss-of-function variants in MRE11 are known to be pathogenic (PMID: 23080121, 23912341). This variant is not present in population databases (gnomAD no frequency). This premature translational stop signal has been observed in individual(s) with a personal or family history of breast and/or ovarian cancer (PMID: 24549055). ClinVar contains an entry for this variant (Variation ID: 185530). For these reasons, this variant has been classified as Pathogenic.

Baylor Genetics
Classification: Likely pathogenic for Ataxia-telangiectasia-like disorder 1. Last evaluated: 2024-02-22. Review status: criteria provided, single submitter. Criteria: ACMG Guidelines, 2015. Collection method: clinical testing. Allele origin: unknown.

Blueprint Genetics
Classification: Likely pathogenic for MRE11A-related disorders. Last evaluated: 2022-03-18. Review status: criteria provided, single submitter. Criteria: ACMG Guidelines, 2015. Collection method: clinical testing. Allele origin: germline. Affected: yes. Observed: 3 variant alleles.

Ambry Genetics
Classification: Pathogenic for Hereditary cancer-predisposing syndrome. Last evaluated: 2021-12-27. Review status: criteria provided, single submitter. Criteria: Ambry Variant Classification Scheme 2023. Collection method: clinical testing. Allele origin: germline.
Comment: The c.504_511delGCTTCAAA pathogenic mutation, located in coding exon 5 of the MRE11A gene, results from a deletion of 8 nucleotides at nucleotide positions 504 to 511, causing a translational frameshift with a predicted alternate stop codon (p.L169Rfs*16). This alteration was identified in an individual diagnosed with a mesothelioma (Guo R et al. J Thorac Oncol, 2020 04;15:655-660). This variant is considered to be rare based on population cohorts in the Genome Aggregation Database (gnomAD). This alteration is expected to result in loss of function by premature protein truncation or nonsense-mediated mRNA decay. As such, this alteration is interpreted as a disease-causing mutation.

Literature cited by the submitters: PubMed 23080121 (cited by Labcorp Genetics (formerly Invitae), Labcorp); PubMed 23912341 (cited by Labcorp Genetics (formerly Invitae), Labcorp); PubMed 24549055 (cited by Labcorp Genetics (formerly Invitae), Labcorp); PubMed 31887429 (cited by Ambry Genetics).